The following is an entry in ClinVar:

ClinVar aggregate classification (germline): Uncertain significance. Review status: criteria provided, multiple submitters, no conflicts (2 of 4 stars). 2 submissions from 2 submitters: Uncertain significance (2). Last evaluated 2026-01-16.

Allele frequency attached by ClinVar (database versions not stated): gnomAD exomes below 0.00001; TOPMed 0.00001.
gnomAD v4.1: 4 of 1,210,636 alleles (0.00033%); highest among the groups gnomAD compares: Admixed American, 0.0022%; no homozygotes.

Submissions (2):

Women's Health and Genetics/Laboratory Corporation of America, LabCorp
Classification: Uncertain significance. Last evaluated: 2026-01-16. Review status: criteria provided, single submitter. Criteria: LabCorp Variant Classification Summary - May 2015. Collection method: clinical testing. Allele origin: germline.
Comment: Variant summary: SMPX c.23T>C (p.Val8Ala) results in a non-conservative amino acid change in the encoded protein sequence. Algorithms developed to predict the effect of missense changes on protein structure and function are either unavailable or do not agree on the potential impact of this missense change. The variant allele was found at a frequency of 1.1e-05 in 183320 control chromosomes. The available data on variant occurrences in the general population are insufficient to allow any conclusion about variant significance. To our knowledge, no occurrence of c.23T>C in individuals affected with SMPX-related conditions and no experimental evidence demonstrating its impact on protein function have been reported. ClinVar contains an entry for this variant (Variation ID: 1982888). Based on the evidence outlined above, the variant was classified as uncertain significance.

Labcorp Genetics (formerly Invitae), Labcorp
Classification: Uncertain significance. Last evaluated: 2021-12-31. Review status: criteria provided, single submitter. Criteria: Invitae Variant Classification Sherloc (09022015). Collection method: clinical testing. Allele origin: germline.
Comment: In summary, the available evidence is currently insufficient to determine the role of this variant in disease. Therefore, it has been classified as a Variant of Uncertain Significance. Algorithms developed to predict the effect of missense changes on protein structure and function output the following: SIFT: "Tolerated"; PolyPhen-2: "Benign"; Align-GVGD: "Class C0". The alanine amino acid residue is found in multiple mammalian species, which suggests that this missense change does not adversely affect protein function. This variant has not been reported in the literature in individuals affected with SMPX-related conditions. This variant is present in population databases (no rsID available, gnomAD 0.004%). This sequence change replaces valine, which is neutral and non-polar, with alanine, which is neutral and non-polar, at codon 8 of the SMPX protein (p.Val8Ala).

NM_014332.3(SMPX):c.23T>C (p.Val8Ala)

Gene: SMPX (small muscle protein X-linked; minus strand). Cytogenetic location: Xp22.12.
Variant type: single nucleotide variant.
Coding change: c.23T>C on transcript NM_014332.3 (MANE Select); coding-DNA position 23, T replaced by C.
Protein change: p.Val8Ala; replaces valine 8 with alanine.
Molecular consequence: missense variant. On other transcripts: non-coding transcript variant (1).
Genome position (GRCh38, 1-based): chrX:21,754,268, A>G on the plus strand (T>C on the coding strand, the complement: SMPX is on the minus strand). VCF-style: chrX-21754268-A-G. GRCh37 (hg19) VCF-style: chrX-21772386-A-G.
Other names: short protein forms V8A.
Identifiers: ClinVar variation 1982888 (VCV001982888.5), dbSNP rs1320223222, ClinGen allele CA412563283.